The following is an entry in ClinVar:

NM_000540.3(RYR1):c.12839C>T (p.Ala4280Val)

Gene: RYR1 (ryanodine receptor 1; plus strand). Cytogenetic location: 19q13.2.
Variant type: single nucleotide variant.
Coding change: c.12839C>T on transcript NM_000540.3 (MANE Select); coding-DNA position 12839, C replaced by T.
Protein change: p.Ala4280Val; replaces alanine 4280 with valine.
Molecular consequence: missense variant.
Genome position (GRCh38, 1-based): chr19:38,565,173, C>T. VCF-style: chr19-38565173-C-T. GRCh37 (hg19) VCF-style: chr19-39055813-C-T.
Other names: c.12824C>T, p.Ala4275Val (NM_001042723.2); short protein forms A4275V, A4280V.
Identifiers: ClinVar variation 4736822 (VCV004736822.1).
Genomic context (GRCh38, chr19:38,565,173, plus strand): 5'-ACGAGGACGAGGGCGCGGGCGCGGCGGAGGCGGGCGCGGAAGGCGCGGAGGAGGGCGCGG[C>T]GGGGCTCGAGGGCACGGCGGCCACGGCGGCGGCGGGGGCGACGGCGCGGGTTGTGGCGGC-3'
Protein context (NP_000531.2, residues 4270-4290): AGAEGAEEGA[Ala4280Val]GLEGTAATAA

ClinVar aggregate classification (germline): Uncertain significance (1 of 4 stars; one submission).

Conditions:
RYR1-related disorder. Also called: RYR1-related condition; RYR1-related disorders. Identifiers: MedGen CN239331.

Submission:

Labcorp Genetics (formerly Invitae), Labcorp
Classification: Uncertain significance for RYR1-related disorder. Last evaluated: 2025-04-11. Review status: criteria provided, single submitter. Criteria: Invitae Variant Classification Sherloc (09022015). Collection method: clinical testing. Allele origin: germline.
Comment: This sequence change replaces alanine, which is neutral and non-polar, with valine, which is neutral and non-polar, at codon 4280 of the RYR1 protein (p.Ala4280Val). The frequency data for this variant in the population databases is considered unreliable, as metrics indicate poor data quality at this position in the gnomAD database. This variant has not been reported in the literature in individuals affected with RYR1-related conditions. Invitae Evidence Modeling of protein sequence and biophysical properties (such as structural, functional, and spatial information, amino acid conservation, physicochemical variation, residue mobility, and thermodynamic stability) indicates that this missense variant is not expected to disrupt RYR1 protein function with a negative predictive value of 95%. In summary, the available evidence is currently insufficient to determine the role of this variant in disease. Therefore, it has been classified as a Variant of Uncertain Significance.